The following is an entry in ClinVar:

NM_018230.3(NUP133):c.170C>G (p.Ser57Trp)

Genes: NUP133 (nucleoporin 133; minus strand), LOC129932732 (ATAC-STARR-seq lymphoblastoid silent region 1931; plus strand). Cytogenetic location: 1q42.13.
Variant type: single nucleotide variant.
Coding change: c.170C>G on transcript NM_018230.3 (MANE Select); coding-DNA position 170, C replaced by G.
Protein change: p.Ser57Trp; replaces serine 57 with tryptophan.
Molecular consequence: missense variant.
Genome position (GRCh38, 1-based): chr1:229,508,080, G>C on the plus strand (C>G on the coding strand, the complement: NUP133 is on the minus strand). VCF-style: chr1-229508080-G-C. GRCh37 (hg19) VCF-style: chr1-229643827-G-C.
Other names: short protein forms S57W.
Identifiers: ClinVar variation 2375429 (VCV002375429.3), dbSNP rs753255647, ClinGen allele CA1443926.

ClinVar aggregate classification (germline): Uncertain significance. Review status: criteria provided, multiple submitters, no conflicts (2 of 4 stars). 2 submissions from 2 submitters: Uncertain significance (2). Last evaluated 2025-10-18.

Allele frequency attached by ClinVar (database versions not stated): gnomAD 0.00001; ExAC 0.00008.
gnomAD v4.1: 28 of 1,499,178 alleles (0.0019%); highest among the groups gnomAD compares: South Asian, 0.036%; 2 homozygotes.

Submissions (2):

Labcorp Genetics (formerly Invitae), Labcorp
Classification: Uncertain significance. Last evaluated: 2025-10-18. Review status: criteria provided, single submitter. Criteria: Invitae Variant Classification Sherloc (09022015). Collection method: clinical testing. Allele origin: germline.
Comment: This sequence change replaces serine, which is neutral and polar, with tryptophan, which is neutral and slightly polar, at codon 57 of the NUP133 protein (p.Ser57Trp). This variant is present in population databases (rs753255647, gnomAD 0.03%). This variant has not been reported in the literature in individuals affected with NUP133-related conditions. ClinVar contains an entry for this variant (Variation ID: 2375429). An algorithm developed to predict the effect of missense changes on protein structure and function (PolyPhen-2) suggests that this variant is likely to be disruptive. In summary, the available evidence is currently insufficient to determine the role of this variant in disease. Therefore, it has been classified as a Variant of Uncertain Significance.

Ambry Genetics
Classification: Uncertain significance. Last evaluated: 2022-06-09. Review status: criteria provided, single submitter. Criteria: Ambry Variant Classification Scheme 2023. Collection method: clinical testing. Allele origin: germline.